The following is an entry in ClinVar:

NM_000455.5(STK11):c.920+195C>T

Gene: STK11 (serine/threonine kinase 11; plus strand). Cytogenetic location: 19p13.3.
Variant type: single nucleotide variant.
Coding change: c.920+195C>T on transcript NM_000455.5 (MANE Select); 195 bases into the intron after coding-DNA position 920, C replaced by T.
Molecular consequence: intron variant.
Genome position (GRCh38, 1-based): chr19:1,222,201, C>T. VCF-style: chr19-1222201-C-T. GRCh37 (hg19) VCF-style: chr19-1222200-C-T.
Identifiers: ClinVar variation 679798 (VCV000679798.1), dbSNP rs143726471, ClinGen allele CA304027754.

ClinVar aggregate classification (germline): Likely benign (1 of 4 stars; one submission).

Allele frequency attached by ClinVar (database versions not stated): 1000 Genomes Project 30x 0.00578; 1000 Genomes Project 0.00599; TOPMed 0.00724.
gnomAD v4.1: 884 of 152,328 alleles (0.58%); highest among the groups gnomAD compares: African/African-American, 2%; 8 homozygotes.

Submission:

GeneDx
Classification: Likely benign. Last evaluated: 2018-06-12. Review status: criteria provided, single submitter. Criteria: GeneDx Variant Classification (06012015). Collection method: clinical testing. Allele origin: germline. Affected: yes.
Comment: This variant is considered likely benign or benign based on one or more of the following criteria: it is a conservative change, it occurs at a poorly conserved position in the protein, it is predicted to be benign by multiple in silico algorithms, and/or has population frequency not consistent with disease.